The following is an entry in ClinVar:

ClinVar aggregate classification (germline): Uncertain significance. Review status: criteria provided, multiple submitters, no conflicts (2 of 4 stars). 3 submissions from 3 submitters: Uncertain significance (3). Last evaluated 2025-10-11.

Conditions:
Ataxia-telangiectasia syndrome (AT). Also called: LOUIS-BAR SYNDROME; Cerebello-oculocutaneous telangiectasia; Immunodeficiency with ataxia telangiectasia; Ataxia telangiectasia (A-T); Ataxia-telangiectasia, complementation group D; AT, COMPLEMENTATION GROUP C. Identifiers: Orphanet 100, MedGen C0004135, MONDO:0008840, OMIM 208900.
Hereditary cancer-predisposing syndrome. Also called: Neoplastic Syndromes, Hereditary; Tumor predisposition; Hereditary Cancer Syndrome; Hereditary neoplastic syndrome. Identifiers: Orphanet 140162, MedGen C0027672, MeSH D009386, MONDO:0015356.

Submissions (3):

Labcorp Genetics (formerly Invitae), Labcorp
Classification: Uncertain significance for Ataxia-telangiectasia syndrome. Last evaluated: 2025-10-11. Review status: criteria provided, single submitter. Criteria: Invitae Variant Classification Sherloc (09022015). Collection method: clinical testing. Allele origin: germline.
Comment: This sequence change replaces threonine, which is neutral and polar, with alanine, which is neutral and non-polar, at codon 2654 of the ATM protein (p.Thr2654Ala). This variant is not present in population databases (gnomAD no frequency). This variant has not been reported in the literature in individuals affected with ATM-related conditions. ClinVar contains an entry for this variant (Variation ID: 1475738). Invitae Evidence Modeling of protein sequence and biophysical properties (such as structural, functional, and spatial information, amino acid conservation, physicochemical variation, residue mobility, and thermodynamic stability) indicates that this missense variant is not expected to disrupt ATM protein function with a negative predictive value of 95%. In summary, the available evidence is currently insufficient to determine the role of this variant in disease. Therefore, it has been classified as a Variant of Uncertain Significance.

Ambry Genetics
Classification: Uncertain significance for Hereditary cancer-predisposing syndrome. Last evaluated: 2024-10-10. Review status: criteria provided, single submitter. Criteria: Ambry Variant Classification Scheme 2023. Collection method: clinical testing. Allele origin: germline.
Comment: The p.T2654A variant (also known as c.7960A>G), located in coding exon 53 of the ATM gene, results from an A to G substitution at nucleotide position 7960. The threonine at codon 2654 is replaced by alanine, an amino acid with similar properties. This amino acid position is not well conserved in available vertebrate species. In addition, this alteration is predicted to be tolerated by in silico analysis. Since supporting evidence is limited at this time, the clinical significance of this alteration remains unclear.

Color Diagnostics, LLC DBA Color Health
Classification: Uncertain significance for Hereditary cancer-predisposing syndrome. Last evaluated: 2024-08-19. Review status: criteria provided, single submitter. Criteria: ACMG Guidelines, 2015. Collection method: clinical testing. Allele origin: germline.
Comment: This missense variant replaces threonine with alanine at codon 2654 of the ATM protein. Computational prediction suggests that this variant may not impact protein structure and function. To our knowledge, functional studies have not been reported for this variant. In an international breast cancer case-control meta-analysis, this variant was detected in 1/60466 cases and absent in 53461 unaffected controls (PMID: 33471991). This variant has not been identified in the general population by the Genome Aggregation Database (gnomAD). The available evidence is insufficient to determine the role of this variant in disease conclusively. Therefore, this variant is classified as a Variant of Uncertain Significance.

Literature cited by the submitters: PubMed 33471991 (cited by Color Diagnostics, LLC DBA Color Health).

NM_000051.4(ATM):c.7960A>G (p.Thr2654Ala)

Genes: ATM (ATM serine/threonine kinase; plus strand), C11orf65 (chromosome 11 open reading frame 65; minus strand). Cytogenetic location: 11q22.3.
Variant type: single nucleotide variant.
Coding change: c.7960A>G on transcript NM_000051.4 (MANE Select); coding-DNA position 7960, A replaced by G.
Protein change: p.Thr2654Ala; replaces threonine 2654 with alanine.
Molecular consequence: missense variant. On other transcripts: intron variant (2).
Genome position (GRCh38, 1-based): chr11:108,333,918, A>G. VCF-style: chr11-108333918-A-G. GRCh37 (hg19) VCF-style: chr11-108204645-A-G.
Other names: c.7960A>G, p.Thr2654Ala (NM_001351834.2); c.641-24847T>C (NM_001330368.2); c.*38+1302T>C (NM_001351110.2); short protein forms T2654A.
Identifiers: ClinVar variation 1475738 (VCV001475738.10), dbSNP rs2136613550, ClinGen allele CA382561714.
Genomic context (GRCh38, chr11:108,333,918, plus strand): 5'-ACTAAAATCTCTTCATTTTTAAATACAGAAGGCATAAATATTCCAGCAGACCAGCCAATT[A>G]CTAAACTTAAGAATTTAGAAGATGTTGTTGTCCCTACTATGGAAATTAAGGTAATTTGCA-3'
Protein context (NP_000042.3, residues 2644-2664): GINIPADQPI[Thr2654Ala]KLKNLEDVVV